The following is an entry in ClinVar:

NM_001271.4(CHD2):c.4366A>G (p.Ile1456Val)

Gene: CHD2 (chromodomain helicase DNA binding protein 2; plus strand). Cytogenetic location: 15q26.1.
Variant type: single nucleotide variant.
Coding change: c.4366A>G on transcript NM_001271.4 (MANE Select); coding-DNA position 4366, A replaced by G.
Protein change: p.Ile1456Val; replaces isoleucine 1456 with valine.
Molecular consequence: missense variant.
Genome position (GRCh38, 1-based): chr15:93,004,704, A>G. VCF-style: chr15-93004704-A-G. GRCh37 (hg19) VCF-style: chr15-93547934-A-G.
Other names: short protein forms I1456V.
Identifiers: ClinVar variation 4802448 (VCV004802448.1).
Genomic context (GRCh38, chr15:93,004,704, plus strand): 5'-AGTAAATCAAAGCGATCTCAGGGTCCTGTCCATATTACAGCAGGAAGTGAACCTGTCCCC[A>G]TTGGAGAGGATGAGGATGATGATCTGGACCAGGAGACATTCAGCATAGTAAGTCTTGAAA-3'
Protein context (NP_001262.3, residues 1446-1466): HITAGSEPVP[Ile1456Val]GEDEDDDLDQ

ClinVar aggregate classification (germline): Uncertain significance (1 of 4 stars; one submission).

Conditions:
Developmental and epileptic encephalopathy 94 (DEE94). Also called: Epileptic encephalopathy, childhood-onset; CHD2-Related Neurodevelopmental Disorders. Identifiers: Orphanet 1942, Orphanet 2382, MedGen C3809278, MONDO:0014150, OMIM 615369.

Submission:

Labcorp Genetics (formerly Invitae), Labcorp
Classification: Uncertain significance for Developmental and epileptic encephalopathy 94. Last evaluated: 2025-04-17. Review status: criteria provided, single submitter. Criteria: Invitae Variant Classification Sherloc (09022015). Collection method: clinical testing. Allele origin: germline.
Comment: This sequence change replaces isoleucine, which is neutral and non-polar, with valine, which is neutral and non-polar, at codon 1456 of the CHD2 protein (p.Ile1456Val). This variant is not present in population databases (gnomAD no frequency). This variant has not been reported in the literature in individuals affected with CHD2-related conditions. Invitae Evidence Modeling of protein sequence and biophysical properties (such as structural, functional, and spatial information, amino acid conservation, physicochemical variation, residue mobility, and thermodynamic stability) indicates that this missense variant is not expected to disrupt CHD2 protein function with a negative predictive value of 95%. In summary, the available evidence is currently insufficient to determine the role of this variant in disease. Therefore, it has been classified as a Variant of Uncertain Significance.